The following is an entry in ClinVar:

NM_015512.5(DNAH1):c.9621+1G>T

Gene: DNAH1 (dynein axonemal heavy chain 1; plus strand). Cytogenetic location: 3p21.1.
Variant type: single nucleotide variant.
Coding change: c.9621+1G>T on transcript NM_015512.5 (MANE Select); the canonical splice donor site of the intron after coding-DNA position 9621, G replaced by T.
Molecular consequence: splice donor variant.
Genome position (GRCh38, 1-based): chr3:52,389,587, G>T. VCF-style: chr3-52389587-G-T. GRCh37 (hg19) VCF-style: chr3-52423603-G-T.
Identifiers: ClinVar variation 1993908 (VCV001993908.4), dbSNP rs960403439, ClinGen allele CA353196457.
Genomic context (GRCh38, chr3:52,389,587, plus strand): 5'-ACCTCCGAGCCCACGCTAATCGGGACGCTGGGGAACCCTGTGAAGATCCGATCGTGGCAG[G>T]TGCCCACCCCAGGGGCAGGAGTGCCCAGGCAGGGCCTGTGGTGTGGTCCAGGCTGGGCCA-3'

ClinVar aggregate classification (germline): Likely pathogenic (1 of 4 stars; one submission).

Conditions:
Spermatogenic failure 18. Identifiers: MedGen C4539783, MONDO:0054615, OMIM 617576.
Ciliary dyskinesia, primary, 37 (CILD37). Also called: CILIARY DYSKINESIA, PRIMARY, 37, WITH OR WITHOUT SITUS INVERSUS. Identifiers: MedGen C4539798, MONDO:0033204, OMIM 617577.

Submission:

Labcorp Genetics (formerly Invitae), Labcorp
Classification: Likely pathogenic for Ciliary dyskinesia, primary, 37; Spermatogenic failure 18. Last evaluated: 2022-05-13. Review status: criteria provided, single submitter. Criteria: Invitae Variant Classification Sherloc (09022015). Collection method: clinical testing. Allele origin: germline.
Comment: This sequence change affects a donor splice site in intron 60 of the DNAH1 gene. It is expected to disrupt RNA splicing. Variants that disrupt the donor or acceptor splice site typically lead to a loss of protein function (PMID: 16199547), and loss-of-function variants in DNAH1 are known to be pathogenic (PMID: 27573432, 27798045). This variant is not present in population databases (gnomAD no frequency). In summary, the currently available evidence indicates that the variant is pathogenic, but additional data are needed to prove that conclusively. Therefore, this variant has been classified as Likely Pathogenic. Algorithms developed to predict the effect of sequence changes on RNA splicing suggest that this variant may disrupt the consensus splice site. Disruption of this splice site has been observed in individual(s) with multiple morphological abnormalities of the flagella (PMID: 30686508).

Literature cited by the submitters: PubMed 16199547; PubMed 27573432; PubMed 27798045; PubMed 30686508.